The following is an entry in ClinVar:

NM_000254.3(MTR):c.1076-8C>T

Gene: MTR (5-methyltetrahydrofolate-homocysteine methyltransferase; plus strand). Cytogenetic location: 1q43.
Variant type: single nucleotide variant.
Coding change: c.1076-8C>T on transcript NM_000254.3 (MANE Select); 8 bases into the intron before coding-DNA position 1076, C replaced by T.
Molecular consequence: intron variant.
Genome position (GRCh38, 1-based): chr1:236,831,958, C>T. VCF-style: chr1-236831958-C-T. GRCh37 (hg19) VCF-style: chr1-236995258-C-T.
Other names: p.?; c.1076-8C>T (NM_001291939.1); c.-34+2690C>T (NM_001291940.2).
Identifiers: ClinVar variation 296558 (VCV000296558.61), dbSNP rs115186224, ClinGen allele CA1473993.

ClinVar aggregate classification (germline): Benign/Likely benign. Review status: criteria provided, multiple submitters, no conflicts (2 of 4 stars). 8 submissions from 8 submitters: Benign (2); Likely benign (6). Last evaluated 2026-02-04.

Conditions:
MTR-related disorder. Also called: MTR-related condition.
Disorders of Intracellular Cobalamin Metabolism. Identifiers: MedGen CN043592.
Methylcobalamin deficiency type cblG (HMAG). Also called: HOMOCYSTINURIA-MEGALOBLASTIC ANEMIA, cblG COMPLEMENTATION TYPE; HOMOCYSTINURIA-MEGALOBLASTIC ANEMIA, cblG TYPE; Functional methionine synthase deficiency type cblG; HOMOCYSTINURIA-MEGALOBLASTIC ANEMIA DUE TO DEFECT IN COBALAMIN METABOLISM, cblG COMPLEMENTATION TYPE. Identifiers: Orphanet 2170, Orphanet 622, MedGen C1855128, MONDO:0009609, OMIM 250940.

Allele frequency attached by ClinVar (database versions not stated): 1000 Genomes Project 30x 0.00125; 1000 Genomes Project 0.00140; gnomAD exomes 0.00259 and 0.00390; TOPMed 0.00280; ExAC 0.00283; ESP Exome Variant Server 0.00308; gnomAD 0.00316 and 0.00321.
gnomAD v4.1: 6,093 of 1,611,136 alleles (0.38%); highest among the groups gnomAD compares: Non-Finnish European, 0.48%; 26 homozygotes.

Submissions (8):

Labcorp Genetics (formerly Invitae), Labcorp
Classification: Benign for Methylcobalamin deficiency type cblG. Last evaluated: 2026-02-04. Review status: criteria provided, single submitter. Criteria: Invitae Variant Classification Sherloc (09022015). Collection method: clinical testing. Allele origin: germline.

PreventionGenetics, part of Exact Sciences
Classification: Likely benign for MTR-related condition. Last evaluated: 2025-12-16. Review status: criteria provided, single submitter. Criteria: ACMG Guidelines, 2015. Collection method: clinical testing. Allele origin: germline.
Comment: This variant is classified as likely benign based on ACMG/AMP sequence variant interpretation guidelines (Richards et al. 2015 PMID: 25741868, with internal and published modifications).

CeGaT Center for Human Genetics Tuebingen
Classification: Likely benign. Last evaluated: 2025-10-01. Review status: criteria provided, single submitter. Criteria: CeGaT Center For Human Genetics Tuebingen Variant Classification Criteria Version 2. Collection method: clinical testing. Allele origin: germline. Affected: yes. Observed: 8 variant alleles.
Comment: MTR: BP4, BS2

Mayo Clinic Laboratories, Mayo Clinic
Classification: Likely benign. Last evaluated: 2025-04-15. Review status: criteria provided, single submitter. Criteria: ACMG Guidelines, 2015. Collection method: clinical testing. Allele origin: germline. Observed: 2 variant alleles.
Comment: BS1, BP4, BP7

ARUP Laboratories, Molecular Genetics and Genomics, ARUP Laboratories
Classification: Benign. Last evaluated: 2023-09-18. Review status: criteria provided, single submitter. Criteria: ARUP Molecular Germline Variant Investigation Process 2024. Collection method: clinical testing. Allele origin: germline.

GeneDx
Classification: Likely benign. Last evaluated: 2018-02-28. Review status: criteria provided, single submitter. Criteria: GeneDx Variant Classification (06012015). Collection method: clinical testing. Allele origin: germline. Affected: yes.
Comment: This variant is considered likely benign or benign based on one or more of the following criteria: it is a conservative change, it occurs at a poorly conserved position in the protein, it is predicted to be benign by multiple in silico algorithms, and/or has population frequency not consistent with disease.

Illumina Laboratory Services, Illumina
Classification: Likely benign for Disorders of Intracellular Cobalamin Metabolism. Last evaluated: 2018-01-13. Review status: criteria provided, single submitter. Criteria: ICSL Variant Classification Criteria 13 December 2019. Collection method: clinical testing. Allele origin: germline.
Comment: This variant was observed in the ICSL laboratory as part of a predisposition screen in an ostensibly healthy population. It had not been previously curated by ICSL or reported in the Human Gene Mutation Database (HGMD: prior to June 1st, 2018), and was therefore a candidate for classification through an automated scoring system. Utilizing variant allele frequency, disease prevalence and penetrance estimates, and inheritance mode, an automated score was calculated to assess if this variant is too frequent to cause the disease. Based on the score and internal cut-off values, a variant classified as likely benign is not then subjected to further curation. The score for this variant resulted in a classification of likely benign for this disease.

Breakthrough Genomics
Classification: Likely benign. Review status: criteria provided, single submitter. Criteria: ACMG Guidelines, 2015. Collection method: not provided. Allele origin: germline. Inheritance: Autosomal recessive inheritance. Affected: yes.